The following is an entry in ClinVar:

NM_145691.4(ATPAF2):c.11G>A (p.Ser4Asn)

Gene: ATPAF2 (ATP synthase mitochondrial F1 complex assembly factor 2; minus strand). Cytogenetic location: 17p11.2.
Variant type: single nucleotide variant.
Coding change: c.11G>A on transcript NM_145691.4 (MANE Select); coding-DNA position 11, G replaced by A.
Protein change: p.Ser4Asn; replaces serine 4 with asparagine.
Molecular consequence: missense variant.
Genome position (GRCh38, 1-based): chr17:18,039,003, C>T on the plus strand (G>A on the coding strand, the complement: ATPAF2 is on the minus strand). VCF-style: chr17-18039003-C-T. GRCh37 (hg19) VCF-style: chr17-17942317-C-T.
Other names: short protein forms S4N.
Identifiers: ClinVar variation 3701796 (VCV003701796.2).

ClinVar aggregate classification (germline): Uncertain significance (1 of 4 stars; one submission).

gnomAD v4.1: 8 of 1,606,868 alleles (0.0005%); highest among the groups gnomAD compares: African/African-American, 0.011%; no homozygotes.

Submission:

Labcorp Genetics (formerly Invitae), Labcorp
Classification: Uncertain significance. Last evaluated: 2024-11-06. Review status: criteria provided, single submitter. Criteria: Invitae Variant Classification Sherloc (09022015). Collection method: clinical testing. Allele origin: germline.
Comment: This sequence change replaces serine, which is neutral and polar, with asparagine, which is neutral and polar, at codon 4 of the ATPAF2 protein (p.Ser4Asn). This variant is present in population databases (rs769346321, gnomAD 0.008%). This variant has not been reported in the literature in individuals affected with ATPAF2-related conditions. An algorithm developed to predict the effect of missense changes on protein structure and function outputs the following: PolyPhen-2: "Benign". The asparagine amino acid residue is found in multiple mammalian species, which suggests that this missense change does not adversely affect protein function. In summary, the available evidence is currently insufficient to determine the role of this variant in disease. Therefore, it has been classified as a Variant of Uncertain Significance.